The following is an entry in ClinVar:

ClinVar aggregate classification (germline): Conflicting classifications of pathogenicity. Review status: criteria provided, conflicting classifications (1 of 4 stars). 2 submissions from 2 submitters: Pathogenic (1); Uncertain significance (1). Last evaluated 2023-07-31.

Conditions:
Cystic fibrosis (CF). Also called: MUCOVISCIDOSIS. Identifiers: Orphanet 586, MedGen C0010674, MONDO:0009061, OMIM 219700. Disease mechanism: loss of function.

Allele frequency attached by ClinVar (database versions not stated): gnomAD 0.00001; TOPMed 0.00001.

Submissions (2):

Labcorp Genetics (formerly Invitae), Labcorp
Classification: Pathogenic for Cystic fibrosis. Last evaluated: 2023-07-31. Review status: criteria provided, single submitter. Criteria: Invitae Variant Classification Sherloc (09022015). Collection method: clinical testing. Allele origin: germline.
Comment: This variant occurs in a non-coding region of the CFTR gene. It does not change the encoded amino acid sequence of the CFTR protein. This variant is not present in population databases (gnomAD no frequency). This variant has been observed in individual(s) with cystic fibrosis (PMID: 23470247). In at least one individual the data is consistent with being in trans (on the opposite chromosome) from a pathogenic variant. Studies have shown that this variant does not significantly alter or has an unclear effect on CFTR gene expression (PMID: 23470247). For these reasons, this variant has been classified as Pathogenic.

GeneDx
Classification: Uncertain significance. Last evaluated: 2021-01-11. Review status: criteria provided, single submitter. Criteria: GeneDx Variant Classification Process June 2021. Collection method: clinical testing. Allele origin: germline. Affected: yes.
Comment: Functional studies are inconclusive as to whether the variant has a functional effect (Giordano et al., 2013); No data available from control populations to assess the frequency of this variant; This variant is associated with the following publications: (PMID: 23470247)

Literature cited by the submitters: PubMed 23470247 (cited by Labcorp Genetics (formerly Invitae), Labcorp).

NC_000007.14:g.117478787A>G

Genes: CFTR (CF transmembrane conductance regulator; plus strand), LOC111674463 (CFTR promoter region; plus strand). Cytogenetic location: 7q31.2.
Variant type: single nucleotide variant.
Genome position: GRCh38 VCF-style: chr7-117478787-A-G. GRCh37 (hg19) VCF-style: chr7-117118841-A-G.
Identifiers: ClinVar variation 1313755 (VCV001313755.6), dbSNP rs1195721615, ClinGen allele CA832112134.
Genomic context (GRCh38, chr7:117,478,787, plus strand): 5'-CCCTTGCCTTAGATGTGTCGGCAATAAAGTAATCAGGCCAAAATTTTTACTTTCCTTTGA[A>G]TTTTTCAATTCAAACACAATGTATGCTTGCTTTTACACAGTAGGGTTCAGGGATTAGAGG-3'